The following is an entry in ClinVar:

ClinVar aggregate classification (germline): Uncertain significance (1 of 4 stars; one submission).

gnomAD v4.1: 29 of 1,612,988 alleles (0.0018%); highest among the groups gnomAD compares: Non-Finnish European, 0.0023%; no homozygotes.

Submissions (2):

Women's Health and Genetics/Laboratory Corporation of America, LabCorp
Classification: Uncertain significance. Last evaluated: 2026-03-05. Review status: criteria provided, single submitter. Criteria: LabCorp Variant Classification Summary - May 2015. Collection method: clinical testing. Allele origin: germline.
Comment: Variant summary: PLAU c.622G>A (p.Val208Met) results in a conservative amino acid change in the encoded protein sequence. Algorithms developed to predict the effect of missense changes on protein structure and function all suggest that this variant is likely to be tolerated. The variant allele was found at a frequency of 1.2e-05 in 249544 control chromosomes. The available data on variant occurrences in the general population are insufficient to allow any conclusion about variant significance. To our knowledge, no occurrence of c.622G>A in individuals affected with PLAU-related conditions and no experimental evidence demonstrating its impact on protein function have been reported. No submitters have cited clinical-significance assessments for this variant to ClinVar. Based on the evidence outlined above, the variant was classified as uncertain significance.

Dr. Peter K. Rogan Lab, Western University
No classification provided (evidence only). Condition: Uterine corpus endometrial carcinoma. Review status: no classification provided. Collection method: in vitro. Allele origin: not applicable. Functional consequence: skipped exon. Not counted in ClinVar's aggregate classification.

NM_002658.6(PLAU):c.622G>A (p.Val208Met)

Genes: C10orf55 (chromosome 10 putative open reading frame 55; minus strand), PLAU (plasminogen activator, urokinase; plus strand), LOC126860960 (BRD4-independent group 4 enhancer GRCh37_chr10:75672789-75673988; plus strand). Cytogenetic location: 10q22.2.
Variant type: single nucleotide variant.
Coding change: c.622G>A on transcript NM_002658.6 (MANE Select); coding-DNA position 622, G replaced by A.
Protein change: p.Val208Met; replaces valine 208 with methionine.
Molecular consequence: missense variant.
Genome position (GRCh38, 1-based): chr10:73,913,700, G>A. VCF-style: chr10-73913700-G-A. GRCh37 (hg19) VCF-style: chr10-75673458-G-A.
Other names: NC_000010.10:g.75673458G>A; c.622G>A, p.Val208Met (NM_001441155.1, NM_001441156.1, NM_001441157.1 and 2 more transcripts); c.364G>A, p.Val122Met (NM_001441158.1, NM_001441159.1, NM_001319191.2); c.571G>A, p.Val191Met (NM_001145031.3); short protein forms V122M, V191M, V208M.
Identifiers: ClinVar variation 4365129 (VCV004365129.2).
Genomic context (GRCh38, chr10:73,913,700, plus strand): 5'-GAGAACCAGCCCTGGTTTGCGGCCATCTACAGGAGGCACCGGGGGGGCTCTGTCACCTAC[G>A]TGTGTGGAGGCAGCCTCATCAGCCCTTGCTGGGTGATCAGCGCCACACACTGCTTCATGT-3'
Protein context (NP_002649.2, residues 198-218): RRHRGGSVTY[Val208Met]CGGSLISPCW